The following is an entry in ClinVar:

ClinVar aggregate classification (germline): Likely benign (1 of 4 stars; one submission).

gnomAD v4.1: 17 of 1,614,116 alleles (0.0011%); highest among the groups gnomAD compares: East Asian, 0.018%; no homozygotes.

Submission:

CeGaT Center for Human Genetics Tuebingen
Classification: Likely benign. Last evaluated: 2025-10-01. Review status: criteria provided, single submitter. Criteria: CeGaT Center For Human Genetics Tuebingen Variant Classification Criteria Version 2. Collection method: clinical testing. Allele origin: germline. Affected: yes. Observed: 1 variant allele.
Comment: TBL2: BP4, BP7

NM_012453.4(TBL2):c.867C>T (p.Asn289=)

Gene: TBL2 (transducin beta like 2; minus strand). Cytogenetic location: 7q11.23.
Variant type: single nucleotide variant.
Coding change: c.867C>T on transcript NM_012453.4 (MANE Select); coding-DNA position 867, C replaced by T.
Protein change: p.Asn289=; no amino-acid change (asparagine 289 retained).
Molecular consequence: synonymous variant.
Genome position (GRCh38, 1-based): chr7:73,571,200, G>A on the plus strand (C>T on the coding strand, the complement: TBL2 is on the minus strand). VCF-style: chr7-73571200-G-A. GRCh37 (hg19) VCF-style: chr7-72985530-G-A.
Other names: c.768C>T, p.Asn256= (NM_001362660.2); c.372C>T, p.Asn124= (NM_001362661.2, NM_001362662.2, NM_001362663.2).
Identifiers: ClinVar variation 4534523 (VCV004534523.6).